The following is an entry in ClinVar:

ClinVar aggregate classification (germline): Uncertain significance. Review status: criteria provided, multiple submitters, no conflicts (2 of 4 stars). 2 submissions from 2 submitters: Uncertain significance (2). Last evaluated 2023-04-29.

Conditions:
Charcot-Marie-Tooth disease axonal type 2O. Also called: Charcot-Marie-Tooth disease, axonal, type 20; CHARCOT-MARIE-TOOTH NEUROPATHY, AXONAL, TYPE 2O; CHARCOT-MARIE-TOOTH DISEASE, AXONAL, AUTOSOMAL DOMINANT, TYPE 2O; Charcot-Marie-Tooth Neuropathy Type 2O. Identifiers: Orphanet 284232, MedGen C3280220, MONDO:0013644, OMIM 614228.

Allele frequency attached by ClinVar (database versions not stated): gnomAD exomes below 0.00001; TOPMed below 0.00001; gnomAD 0.00001.
gnomAD v4.1: 2 of 1,614,092 alleles (0.00012%); highest among the groups gnomAD compares: Non-Finnish European, 0.00017%; no homozygotes.

Submissions (2):

Labcorp Genetics (formerly Invitae), Labcorp
Classification: Uncertain significance for Charcot-Marie-Tooth disease axonal type 2O. Last evaluated: 2023-04-29. Review status: criteria provided, single submitter. Criteria: Invitae Variant Classification Sherloc (09022015). Collection method: clinical testing. Allele origin: germline.
Comment: This sequence change replaces methionine, which is neutral and non-polar, with isoleucine, which is neutral and non-polar, at codon 402 of the DYNC1H1 protein (p.Met402Ile). In summary, the available evidence is currently insufficient to determine the role of this variant in disease. Therefore, it has been classified as a Variant of Uncertain Significance. Advanced modeling of protein sequence and biophysical properties (such as structural, functional, and spatial information, amino acid conservation, physicochemical variation, residue mobility, and thermodynamic stability) performed at Invitae indicates that this missense variant is expected to disrupt DYNC1H1 protein function. ClinVar contains an entry for this variant (Variation ID: 1810125). This variant has not been reported in the literature in individuals affected with DYNC1H1-related conditions. This variant is not present in population databases (gnomAD no frequency).

GeneDx
Classification: Uncertain significance. Last evaluated: 2022-06-27. Review status: criteria provided, single submitter. Criteria: GeneDx Variant Classification Process June 2021. Collection method: clinical testing. Allele origin: germline. Affected: yes.
Comment: Not observed at significant frequency in large population cohorts (gnomAD); In silico analysis supports that this missense variant has a deleterious effect on protein structure/function; Has not been previously published as pathogenic or benign to our knowledge

NM_001376.5(DYNC1H1):c.1206G>C (p.Met402Ile)

Gene: DYNC1H1 (dynein cytoplasmic 1 heavy chain 1; plus strand). Cytogenetic location: 14q32.31.
Variant type: single nucleotide variant.
Coding change: c.1206G>C on transcript NM_001376.5 (MANE Select); coding-DNA position 1206, G replaced by C.
Protein change: p.Met402Ile; replaces methionine 402 with isoleucine.
Molecular consequence: missense variant.
Genome position (GRCh38, 1-based): chr14:101,983,263, G>C. VCF-style: chr14-101983263-G-C. GRCh37 (hg19) VCF-style: chr14-102449600-G-C.
Other names: short protein forms M402I.
Identifiers: ClinVar variation 1810125 (VCV001810125.4), dbSNP rs1305947826, ClinGen allele CA391014152.
Genomic context (GRCh38, chr14:101,983,263, plus strand): 5'-GGCAATTTCAAGAGACTTGAGTTCTCAATTACTCAAAGTATTGGGCACTAGGAAATTGAT[G>C]CATGTTGCTTATGAAGAATTTGAAAAAGTAAGTTTGAATATATAAGACAACCAACCTCAA-3'
Protein context (NP_001367.2, residues 392-412): LLKVLGTRKL[Met402Ile]HVAYEEFEKV